The following is an entry in ClinVar:

NM_007078.3(LDB3):c.1675C>T (p.Arg559Trp)

Gene: LDB3 (LIM domain binding 3; plus strand). Cytogenetic location: 10q23.2.
Variant type: single nucleotide variant.
Coding change: c.1675C>T on transcript NM_007078.3 (MANE Select); coding-DNA position 1675, C replaced by T.
Protein change: p.Arg559Trp; replaces arginine 559 with tryptophan.
Molecular consequence: missense variant.
Genome position (GRCh38, 1-based): chr10:86,716,770, C>T. VCF-style: chr10-86716770-C-T. GRCh37 (hg19) VCF-style: chr10-88476527-C-T.
Other names: c.1675C>T (LRG_385t1); c.1345C>T, p.Arg449Trp (NM_001080114.2); c.1690C>T, p.Arg564Trp (NM_001171610.2); c.1486C>T, p.Arg496Trp (NM_001368064.1, NM_001368065.1); c.1534C>T, p.Arg512Trp (NM_001368066.1); short protein forms R559W, R564W, R512W, R496W, R449W.
Identifiers: ClinVar variation 464284 (VCV000464284.25), dbSNP rs142947567, ClinGen allele CA5585200.

ClinVar aggregate classification (germline): Conflicting classifications of pathogenicity. Review status: criteria provided, conflicting classifications (1 of 4 stars). 6 submissions from 6 submitters: Uncertain significance (3); Likely benign (1). 2 of the submissions do not count toward it. Last evaluated 2026-03-03.

Conditions:
Myofibrillar myopathy 4. Also called: Zaspopathy (type). Identifiers: Orphanet 98912, MedGen C4721886, MONDO:0012277, OMIM 609452.
Cardiovascular phenotype. Identifiers: MedGen CN230736.

Allele frequency attached by ClinVar (database versions not stated): gnomAD exomes 0.00003 and 0.00005; TOPMed 0.00005; gnomAD 0.00008 and 0.00006; ESP Exome Variant Server 0.00015; ExAC 0.00008.
gnomAD v4.1: 81 of 1,604,848 alleles (0.005%); highest among the groups gnomAD compares: African/African-American, 0.008%; no homozygotes.

Submissions (6):

Women's Health and Genetics/Laboratory Corporation of America, LabCorp
Classification: Uncertain significance. Last evaluated: 2026-03-03. Review status: criteria provided, single submitter. Criteria: LabCorp Variant Classification Summary - May 2015. Collection method: clinical testing. Allele origin: germline.
Comment: Variant summary: LDB3 c.1675C>T (p.Arg559Trp) results in a non-conservative amino acid change in the encoded protein sequence. Algorithms developed to predict the effect of missense changes on protein structure and function all suggest that this variant is likely to be disruptive. Several computational tools predict a significant impact on normal splicing: Three predict the variant weakens a 5' donor site. However, these predictions have yet to be confirmed by functional studies. The variant allele was found at a frequency of 3.5e-05 in 229848 control chromosomes. The available data on variant occurrences in the general population are insufficient to allow any conclusion about variant significance. c.1675C>T has been observed in individual(s) affected with dilated cardiomyopathy without strong evidence for causality (Ramchand_2020, Verdonschot_2020). These report(s) do not provide unequivocal conclusions about association of the variant with Hypertrophic Cardiomyopathy. To our knowledge, no experimental evidence demonstrating an impact on protein function has been reported. The following publications have been ascertained in the context of this evaluation (PMID: 31931689, 32880476). ClinVar contains an entry for this variant (Variation ID: 464284). Based on the evidence outlined above, the variant was classified as uncertain significance.

Labcorp Genetics (formerly Invitae), Labcorp
Classification: Uncertain significance for Myofibrillar myopathy 4. Last evaluated: 2025-10-16. Review status: criteria provided, single submitter. Criteria: Invitae Variant Classification Sherloc (09022015). Collection method: clinical testing. Allele origin: germline.
Comment: The LDB3 gene has multiple clinically relevant transcripts. This variant occurs in alternate transcript NM_007078.3, and corresponds to NM_001080116.1:c.*17396C>T in the primary transcript. This sequence change replaces arginine, which is basic and polar, with tryptophan, which is neutral and slightly polar, at codon 559 of the LDB3 protein (p.Arg559Trp). This variant is present in population databases (rs142947567, gnomAD 0.01%). This missense change has been observed in individual(s) with dilated cardiomyopathy (PMID: 31931689, 32880476). Experimental studies and prediction algorithms are not available or were not evaluated, and the functional significance of this variant is currently unknown. In summary, the available evidence is currently insufficient to determine the role of this variant in disease. Therefore, it has been classified as a Variant of Uncertain Significance.

Ambry Genetics
Classification: Uncertain significance for Cardiovascular phenotype. Last evaluated: 2025-02-26. Review status: criteria provided, single submitter. Criteria: Ambry Variant Classification Scheme 2023. Collection method: clinical testing. Allele origin: germline.
Comment: The p.R559W variant (also known as c.1675C>T), located in coding exon 9 of the LDB3 gene, results from a C to T substitution at nucleotide position 1675. The arginine at codon 559 is replaced by tryptophan, an amino acid with dissimilar properties. This variant has been detected in individuals from dilated cardiomyopathy cohorts; however, details were limited (Ramchand J et al. J Am Heart Assoc, 2020 01;9:e013346; Verdonschot JAJ et al. Circ Genom Precis Med, 2020 10;13:476-487). This amino acid position is highly conserved in available vertebrate species. In addition, this alteration is predicted to be deleterious by in silico analysis. Since supporting evidence is limited at this time, the clinical significance of this alteration remains unclear.

Blueprint Genetics
Classification: Likely benign. Last evaluated: 2024-10-26. Review status: criteria provided, single submitter. Criteria: ACMG Guidelines, 2015. Collection method: clinical testing. Allele origin: germline.

Clinical Genetics DNA and cytogenetics Diagnostics Lab, Erasmus MC, Erasmus Medical Center
Classification: Uncertain significance. Review status: no assertion criteria provided. Collection method: clinical testing. Allele origin: germline. Affected: yes. Study: VKGL Data-share Consensus. Not counted in ClinVar's aggregate classification.

Joint Genome Diagnostic Labs from Nijmegen and Maastricht, Radboudumc and MUMC+
Classification: Uncertain significance. Review status: no assertion criteria provided. Collection method: clinical testing. Allele origin: germline. Affected: yes. Study: VKGL Data-share Consensus. Not counted in ClinVar's aggregate classification.

Literature cited by the submitters: PubMed 32880476 (cited by 3 submitters); PubMed 31931689 (cited by 3 submitters); PubMed 37198425 (cited by Ambry Genetics).